The following is an entry in ClinVar:

NM_001735.3(C5):c.3604C>T (p.His1202Tyr)

Gene: C5 (complement C5; minus strand). Cytogenetic location: 9q33.2.
Variant type: single nucleotide variant.
Coding change: c.3604C>T on transcript NM_001735.3 (MANE Select); coding-DNA position 3604, C replaced by T.
Protein change: p.His1202Tyr; replaces histidine 1202 with tyrosine.
Molecular consequence: missense variant.
Genome position (GRCh38, 1-based): chr9:120,980,137, G>A on the plus strand (C>T on the coding strand, the complement: C5 is on the minus strand). VCF-style: chr9-120980137-G-A. GRCh37 (hg19) VCF-style: chr9-123742415-G-A.
Other names: c.3622C>T, p.His1208Tyr (NM_001317163.2); short protein forms H1208Y, H1202Y.
Identifiers: ClinVar variation 4694862 (VCV004694862.1).
Genomic context (GRCh38, chr9:120,980,137, plus strand): 5'-TTATACCTTTAACCAAAGCTTCTCTCTTCAAAGCTGAAACAATTGAACGAAACTGTGGGT[G>A]AGTTTTATCTCCCAGGGAAAGAGCATACGCAGAAATGGCCAATGTAAAGGTGCTCTGGGC-3'
Protein context (NP_001726.2, residues 1192-1212): AYALSLGDKT[His1202Tyr]PQFRSIVSAL

ClinVar aggregate classification (germline): Uncertain significance (1 of 4 stars; one submission).

gnomAD v4.1: 2 of 1,614,128 alleles (0.00012%); highest among the groups gnomAD compares: Non-Finnish European, 0.00017%; no homozygotes.

Submission:

Labcorp Genetics (formerly Invitae), Labcorp
Classification: Uncertain significance. Last evaluated: 2025-11-27. Review status: criteria provided, single submitter. Criteria: Invitae Variant Classification Sherloc (09022015). Collection method: clinical testing. Allele origin: germline.
Comment: This sequence change replaces histidine, which is basic and polar, with tyrosine, which is neutral and polar, at codon 1202 of the C5 protein (p.His1202Tyr). This variant is not present in population databases (gnomAD no frequency). This variant has not been reported in the literature in individuals affected with C5-related conditions. Invitae Evidence Modeling of protein sequence and biophysical properties (such as structural, functional, and spatial information, amino acid conservation, physicochemical variation, residue mobility, and thermodynamic stability) indicates that this missense variant is not expected to disrupt C5 protein function with a negative predictive value of 80%. In summary, the available evidence is currently insufficient to determine the role of this variant in disease. Therefore, it has been classified as a Variant of Uncertain Significance.